The following is an entry in ClinVar:

ClinVar aggregate classification (germline): Likely pathogenic (1 of 4 stars; one submission).

Conditions:
RCBTB1-related retinopathy. Also called: Retinal dystrophy with or without extraocular anomalies. Identifiers: MedGen C4310680, MONDO:0014955, OMIM 617175.

gnomAD v4.1: 1 of 1,585,340 alleles (0.000063%); highest among the groups gnomAD compares: Non-Finnish European, 0.000086%; no homozygotes.

Submission:

Women's Health and Genetics/Laboratory Corporation of America, LabCorp
Classification: Likely pathogenic for RCBTB1-related retinopathy. Last evaluated: 2026-06-25. Review status: criteria provided, single submitter. Criteria: LabCorp Variant Classification Summary - May 2015. Collection method: clinical testing. Allele origin: germline.
Comment: Variant summary: RCBTB1 c.604-1G>A is located in a canonical splice-site and is predicted to affect mRNA splicing resulting in a significantly altered protein due to either exon skipping, shortening, or inclusion of intronic material. Variants that disrupt the consensus splice site are a relatively common cause of aberrant splicing and loss of RCBTB1 function. Several computational tools predict a significant impact on normal splicing: Four predict the variant abolishes a canonical 3' acceptor site and five predict the variant creates a cryptic 3' acceptor site. However, these predictions have yet to be confirmed by functional studies. The variant was absent in 223614 control chromosomes. To our knowledge, no occurrence of c.604-1G>A in individuals affected with RCBTB1-related conditions and no experimental evidence demonstrating its impact on protein function have been reported. No submitters have cited clinical-significance assessments for this variant to ClinVar. Based on the evidence outlined above, the variant was classified as likely pathogenic.

NM_018191.4(RCBTB1):c.604-1G>A

Gene: RCBTB1 (RCC1 and BTB domain containing protein 1; minus strand). Cytogenetic location: 13q14.2.
Variant type: single nucleotide variant.
Coding change: c.604-1G>A on transcript NM_018191.4 (MANE Select); the canonical splice acceptor site of the intron before coding-DNA position 604, G replaced by A.
Molecular consequence: splice acceptor variant.
Genome position (GRCh38, 1-based): chr13:49,552,286, C>T on the plus strand (G>A on the coding strand, the complement: RCBTB1 is on the minus strand). VCF-style: chr13-49552286-C-T. GRCh37 (hg19) VCF-style: chr13-50126422-C-T.
Other names: c.604-1G>A (NM_001352501.2, NM_001352502.2, NM_001352503.2 and 3 more transcripts); c.25-1G>A (NM_001352506.2).
Identifiers: ClinVar variation 4887685 (VCV004887685.1).
Genomic context (GRCh38, chr13:49,552,286, plus strand): 5'-CTGGTTGCCATTGTTTCCCAGGCCCAGCTGACCGTTGCCATTGTAACCCCAGCCATATAC[C>T]TTAGAGAGGACAGAAGGGAGAGAGTGAGATTTTTAAACTGCTGGTAAGAAGGAAGAGACA-3'